The following is an entry in ClinVar:

NM_001330700.2(TOP2B):c.3646A>G (p.Ile1216Val)

Gene: TOP2B (DNA topoisomerase II beta; minus strand). Cytogenetic location: 3p24.2.
Variant type: single nucleotide variant.
Coding change: c.3646A>G on transcript NM_001330700.2 (MANE Select); coding-DNA position 3646, A replaced by G.
Protein change: p.Ile1216Val; replaces isoleucine 1216 with valine.
Molecular consequence: missense variant.
Genome position (GRCh38, 1-based): chr3:25,612,655, T>C on the plus strand (A>G on the coding strand, the complement: TOP2B is on the minus strand). VCF-style: chr3-25612655-T-C. GRCh37 (hg19) VCF-style: chr3-25654146-T-C.
Other names: c.3631A>G, p.Ile1211Val (NM_001068.3); short protein forms I1216V, I1211V.
Identifiers: ClinVar variation 2794970 (VCV002794970.3), dbSNP rs1441005998, ClinGen allele CA351894933.
Genomic context (GRCh38, chr3:25,612,655, plus strand): 5'-AGGGCATTGTCTCTTCCAACTGGAGTTTCTTCACCTTAGGTTTGCCAACTTTACCTTTAA[T>C]TGCTTTTCCAGACATTCCAGCCAGAACATCTTCTCGTTCTTGAGATTCCACTTTCTAAAG-3'
Protein context (NP_001317629.1, residues 1206-1226): DVLAGMSGKA[Ile1216Val]KGKVGKPKVK

ClinVar aggregate classification (germline): Uncertain significance (1 of 4 stars; one submission).

Allele frequency attached by ClinVar (database versions not stated): gnomAD exomes below 0.00001.
gnomAD v4.1: 3 of 1,613,718 alleles (0.00019%); highest among the groups gnomAD compares: Non-Finnish European, 0.00017%; no homozygotes.

Submission:

Labcorp Genetics (formerly Invitae), Labcorp
Classification: Uncertain significance. Last evaluated: 2023-09-17. Review status: criteria provided, single submitter. Criteria: Invitae Variant Classification Sherloc (09022015). Collection method: clinical testing. Allele origin: germline.
Comment: In summary, the available evidence is currently insufficient to determine the role of this variant in disease. Therefore, it has been classified as a Variant of Uncertain Significance. This sequence change replaces isoleucine, which is neutral and non-polar, with valine, which is neutral and non-polar, at codon 1211 of the TOP2B protein (p.Ile1211Val). The frequency data for this variant in the population databases is considered unreliable, as metrics indicate poor data quality at this position in the gnomAD database. This variant has not been reported in the literature in individuals affected with TOP2B-related conditions. Algorithms developed to predict the effect of missense changes on protein structure and function output the following: SIFT: "Not Available"; PolyPhen-2: "Benign"; Align-GVGD: "Not Available". The valine amino acid residue is found in multiple mammalian species, which suggests that this missense change does not adversely affect protein function.